The following is an entry in ClinVar:

NM_002691.4(POLD1):c.428G>A (p.Gly143Asp)

Gene: POLD1 (DNA polymerase delta 1, catalytic subunit; plus strand). Cytogenetic location: 19q13.33.
Variant type: single nucleotide variant.
Coding change: c.428G>A on transcript NM_002691.4 (MANE Select); coding-DNA position 428, G replaced by A.
Protein change: p.Gly143Asp; replaces glycine 143 with aspartic acid.
Molecular consequence: missense variant. On other transcripts: non-coding transcript variant (1).
Genome position (GRCh38, 1-based): chr19:50,401,889, G>A. VCF-style: chr19-50401889-G-A. GRCh37 (hg19) VCF-style: chr19-50905146-G-A.
Other names: c.428G>A, p.Gly143Asp (NM_001256849.1, NM_001308632.1); short protein forms G143D.
Identifiers: ClinVar variation 2010422 (VCV002010422.4), dbSNP rs1406566934, ClinGen allele CA406972628.

ClinVar aggregate classification (germline): Uncertain significance (1 of 4 stars; one submission).

Conditions:
POLD1-related polyposis and colorectal cancer syndrome (CRCS10). Also called: Colorectal cancer 10; COLORECTAL CANCER, SUSCEPTIBILITY TO, ON CHROMOSOME 19q; Colorectal cancer, susceptibility to, 10. Identifiers: Orphanet 220460, MedGen C2675481, MONDO:0012953, OMIM 612591.

Allele frequency attached by ClinVar (database versions not stated): gnomAD exomes below 0.00001.
gnomAD v4.1: 1 of 1,614,016 alleles (0.000062%); highest among the groups gnomAD compares: East Asian, 0.0022%; no homozygotes.

Submission:

Labcorp Genetics (formerly Invitae), Labcorp
Classification: Uncertain significance for POLD1-related polyposis and colorectal cancer syndrome. Last evaluated: 2022-06-24. Review status: criteria provided, single submitter. Criteria: Invitae Variant Classification Sherloc (09022015). Collection method: clinical testing. Allele origin: germline.
Comment: In summary, the available evidence is currently insufficient to determine the role of this variant in disease. Therefore, it has been classified as a Variant of Uncertain Significance. This variant has not been reported in the literature in individuals affected with POLD1-related conditions. Algorithms developed to predict the effect of missense changes on protein structure and function are either unavailable or do not agree on the potential impact of this missense change (SIFT: "Tolerated"; PolyPhen-2: "Probably Damaging"; Align-GVGD: "Class C0"). This variant is present in population databases (no rsID available, gnomAD 0.006%). This sequence change replaces glycine, which is neutral and non-polar, with aspartic acid, which is acidic and polar, at codon 143 of the POLD1 protein (p.Gly143Asp).